The following is an entry in ClinVar:

ClinVar aggregate classification (germline): Uncertain significance (1 of 4 stars; one submission).

Submission:

Labcorp Genetics (formerly Invitae), Labcorp
Classification: Uncertain significance. Last evaluated: 2024-11-25. Review status: criteria provided, single submitter. Criteria: Invitae Variant Classification Sherloc (09022015). Collection method: clinical testing. Allele origin: germline.
Comment: This sequence change replaces lysine, which is basic and polar, with glutamic acid, which is acidic and polar, at codon 134 of the IL21 protein (p.Lys134Glu). This variant is not present in population databases (gnomAD no frequency). This variant has not been reported in the literature in individuals affected with IL21-related conditions. An algorithm developed to predict the effect of missense changes on protein structure and function (PolyPhen-2) suggests that this variant is likely to be tolerated. In summary, the available evidence is currently insufficient to determine the role of this variant in disease. Therefore, it has been classified as a Variant of Uncertain Significance.

NM_021803.4(IL21):c.400A>G (p.Lys134Glu)

Gene: IL21 (interleukin 21; minus strand). Cytogenetic location: 4q27.
Variant type: single nucleotide variant.
Coding change: c.400A>G on transcript NM_021803.4 (MANE Select); coding-DNA position 400, A replaced by G.
Protein change: p.Lys134Glu; replaces lysine 134 with glutamic acid.
Molecular consequence: missense variant.
Genome position (GRCh38, 1-based): chr4:122,612,889, T>C on the plus strand (A>G on the coding strand, the complement: IL21 is on the minus strand). VCF-style: chr4-122612889-T-C. GRCh37 (hg19) VCF-style: chr4-123534044-T-C.
Other names: c.400A>G, p.Lys134Glu (NM_001207006.3); short protein forms K134E.
Identifiers: ClinVar variation 3723946 (VCV003723946.2).